The following is an entry in ClinVar:

NM_032043.3(BRIP1):c.1629-17A>G

Gene: BRIP1 (BRCA1 interacting DNA helicase 1; minus strand). Cytogenetic location: 17q23.2.
Variant type: single nucleotide variant.
Coding change: c.1629-17A>G on transcript NM_032043.3 (MANE Select); 17 bases into the intron before coding-DNA position 1629, A replaced by G.
Molecular consequence: intron variant.
Genome position (GRCh38, 1-based): chr17:61,781,022, T>C on the plus strand (A>G on the coding strand, the complement: BRIP1 is on the minus strand). VCF-style: chr17-61781022-T-C. GRCh37 (hg19) VCF-style: chr17-59858383-T-C.
Identifiers: ClinVar variation 3378642 (VCV003378642.1).

ClinVar aggregate classification (germline): Likely benign (1 of 4 stars; one submission).

Conditions:
Familial cancer of breast. Also called: hereditary breast carcinoma; Hereditary breast cancer; BREAST CANCER, FAMILIAL. Identifiers: Orphanet 227535, MedGen C0346153, MONDO:0016419, OMIM 114480. Disease mechanism: loss of function.

Submission:

Myriad Genetics, Inc.
Classification: Likely benign for Familial cancer of breast. Last evaluated: 2024-08-28. Review status: criteria provided, single submitter. Criteria: Myriad Autosomal Dominant, Autosomal Recessive and X-Linked Classification Criteria (2023). Collection method: clinical testing. Allele origin: unknown.
Comment: This variant is considered likely benign. This variant is intronic and is not expected to impact mRNA splicing.